The following is an entry in ClinVar:

ClinVar aggregate classification (germline): Uncertain significance. Review status: criteria provided, single submitter (1 of 4 stars). 2 submissions from 2 submitters: Uncertain significance (1). 1 of the submissions does not count toward it. Last evaluated 2024-09-12.

Conditions:
Early-infantile DEE. Also called: Early infantile epileptic encephalopathy; Ohtahara syndrome; Early infantile epileptic encephalopathy with suppression bursts. Identifiers: Orphanet 1934, MedGen C0393706, MONDO:0800491.

Allele frequency attached by ClinVar (database versions not stated): gnomAD exomes below 0.00001 and 0.00001; TOPMed below 0.00001; gnomAD 0.00001; ExAC 0.00002.
gnomAD v4.1: 5 of 1,595,638 alleles (0.00031%); highest among the groups gnomAD compares: South Asian, 0.0011%; no homozygotes.

Submissions (2):

Labcorp Genetics (formerly Invitae), Labcorp
Classification: Uncertain significance for Early-infantile DEE. Last evaluated: 2024-09-12. Review status: criteria provided, single submitter. Criteria: Invitae Variant Classification Sherloc (09022015). Collection method: clinical testing. Allele origin: germline.
Comment: This sequence change replaces serine, which is neutral and polar, with leucine, which is neutral and non-polar, at codon 702 of the KCNQ2 protein (p.Ser702Leu). The frequency data for this variant in the population databases is considered unreliable, as metrics indicate poor data quality at this position in the gnomAD database. This variant has not been reported in the literature in individuals affected with KCNQ2-related conditions. ClinVar contains an entry for this variant (Variation ID: 658483). An algorithm developed to predict the effect of missense changes on protein structure and function (PolyPhen-2) suggests that this variant is likely to be tolerated. In summary, the available evidence is currently insufficient to determine the role of this variant in disease. Therefore, it has been classified as a Variant of Uncertain Significance.

Genetics and Genomic Medicine Centre, NeuroGen Healthcare, NeuroGen Healthcare
Classification: Uncertain significance. Last evaluated: 2022-08-06. Review status: no assertion criteria provided. Collection method: clinical testing. Allele origin: unknown. Affected: yes. Not counted in ClinVar's aggregate classification.

NM_172107.4(KCNQ2):c.2105C>T (p.Ser702Leu)

Gene: KCNQ2 (potassium voltage-gated channel subfamily Q member 2; minus strand). Cytogenetic location: 20q13.33.
Variant type: single nucleotide variant.
Coding change: c.2105C>T on transcript NM_172107.4 (MANE Select); coding-DNA position 2105, C replaced by T.
Protein change: p.Ser702Leu; replaces serine 702 with leucine.
Molecular consequence: missense variant.
Genome position (GRCh38, 1-based): chr20:63,407,158, G>A on the plus strand (C>T on the coding strand, the complement: KCNQ2 is on the minus strand). VCF-style: chr20-63407158-G-A. GRCh37 (hg19) VCF-style: chr20-62038511-G-A.
Other names: c.2021C>T, p.Ser674Leu (NM_004518.6); c.2051C>T, p.Ser684Leu (NM_172106.3); c.2012C>T, p.Ser671Leu (NM_172108.5); short protein forms S674L, S684L, S671L, S702L.
Identifiers: ClinVar variation 658483 (VCV000658483.11), dbSNP rs1555850884, ClinGen allele CA9958152.